The following is an entry in ClinVar:

NM_020408.6(LYRM4):c.257G>C (p.Arg86Pro)

Genes: LYRM4 (LYR motif containing 4; minus strand), LYRM4-AS1 (LYRM4 antisense RNA 1; plus strand). Cytogenetic location: 6p25.1.
Variant type: single nucleotide variant.
Coding change: c.257G>C on transcript NM_020408.6 (MANE Select); coding-DNA position 257, G replaced by C.
Protein change: p.Arg86Pro; replaces arginine 86 with proline.
Molecular consequence: missense variant. On other transcripts: 3 prime UTR variant (1), non-coding transcript variant (2), intron variant (1).
Genome position (GRCh38, 1-based): chr6:5,109,442, C>G on the plus strand (G>C on the coding strand, the complement: LYRM4 is on the minus strand). VCF-style: chr6-5109442-C-G. GRCh37 (hg19) VCF-style: chr6-5109676-C-G.
Other names: c.*91G>C (NM_001164841.3); c.208-40776G>C (NM_001318783.1); short protein forms R86P.
Identifiers: ClinVar variation 4717905 (VCV004717905.1).

ClinVar aggregate classification (germline): Uncertain significance (1 of 4 stars; one submission).

Submission:

Labcorp Genetics (formerly Invitae), Labcorp
Classification: Uncertain significance. Last evaluated: 2025-05-02. Review status: criteria provided, single submitter. Criteria: Invitae Variant Classification Sherloc (09022015). Collection method: clinical testing. Allele origin: germline.
Comment: This sequence change replaces arginine, which is basic and polar, with proline, which is neutral and non-polar, at codon 86 of the LYRM4 protein (p.Arg86Pro). This variant is not present in population databases (gnomAD no frequency). This variant has not been reported in the literature in individuals affected with LYRM4-related conditions. An algorithm developed to predict the effect of missense changes on protein structure and function (PolyPhen-2) suggests that this variant is likely to be tolerated. In summary, the available evidence is currently insufficient to determine the role of this variant in disease. Therefore, it has been classified as a Variant of Uncertain Significance.